The following is an entry in ClinVar:

NM_004991.4(MECOM):c.2917A>G (p.Asn973Asp)

Gene: MECOM (MDS1 and EVI1 complex locus; minus strand). Cytogenetic location: 3q26.2.
Variant type: single nucleotide variant.
Coding change: c.2917A>G on transcript NM_004991.4 (MANE Select); coding-DNA position 2917, A replaced by G.
Protein change: p.Asn973Asp; replaces asparagine 973 with aspartic acid.
Molecular consequence: missense variant.
Genome position (GRCh38, 1-based): chr3:169,095,178, T>C on the plus strand (A>G on the coding strand, the complement: MECOM is on the minus strand). VCF-style: chr3-169095178-T-C. GRCh37 (hg19) VCF-style: chr3-168812966-T-C.
Other names: c.2917A>G (NM_004991.3); c.2548A>G, p.Asn850Asp (NM_001105077.4); c.2353A>G, p.Asn785Asp (NM_001105078.4, NM_001205194.2, NM_001366469.2 and 1 more transcripts); c.2329A>G, p.Asn777Asp (NM_001163999.2, NM_001366470.2); c.2326A>G, p.Asn776Asp (NM_001164000.2, NM_001366471.2, NM_001366472.2); c.2890A>G, p.Asn964Asp (NM_001366466.2); c.2356A>G, p.Asn786Asp (NM_001366467.2, NM_001366468.2); c.1918A>G, p.Asn640Asp (NM_001366473.2); and 1 more; short protein forms N640D, N964D, N973D, N776D, N777D, N786D, N452D, N785D.
Identifiers: ClinVar variation 3683425 (VCV003683425.3).
Genomic context (GRCh38, chr3:169,095,178, plus strand): 5'-AATTGGTTTGTTGACCAAAACACCTATCACATAAGTGACACTTAAATGGCTTCTCTTTAT[T>C]GTGGATGTTGCGAACATGCCTTTGCAAGTTAGAAGATATGCTAAATGATCTGTCACAGTA-3'
Protein context (NP_004982.2, residues 963-983): NLQRHVRNIH[Asn973Asp]KEKPFKCHLC

ClinVar aggregate classification (germline): Uncertain significance. Review status: criteria provided, multiple submitters, no conflicts (2 of 4 stars). 2 submissions from 2 submitters: Uncertain significance (2). Last evaluated 2025-02-10.

Conditions:
Inborn genetic diseases. Identifiers: MedGen C0950123, MeSH D030342.

gnomAD v4.1: 10 of 1,613,722 alleles (0.00062%); highest among the groups gnomAD compares: East Asian, 0.013%; no homozygotes.

Submissions (2):

Labcorp Genetics (formerly Invitae), Labcorp
Classification: Uncertain significance. Last evaluated: 2025-02-10. Review status: criteria provided, single submitter. Criteria: Invitae Variant Classification Sherloc (09022015). Collection method: clinical testing. Allele origin: germline.
Comment: This sequence change replaces asparagine, which is neutral and polar, with aspartic acid, which is acidic and polar, at codon 785 of the MECOM protein (p.Asn785Asp). This variant is not present in population databases (gnomAD no frequency). This variant has not been reported in the literature in individuals affected with MECOM-related conditions. An algorithm developed to predict the effect of missense changes on protein structure and function (PolyPhen-2) suggests that this variant is likely to be tolerated. In summary, the available evidence is currently insufficient to determine the role of this variant in disease. Therefore, it has been classified as a Variant of Uncertain Significance.

Ambry Genetics
Classification: Uncertain significance for Inborn genetic diseases. Last evaluated: 2025-01-17. Review status: criteria provided, single submitter. Criteria: Ambry Variant Classification Scheme 2023. Collection method: clinical testing. Allele origin: germline.
Comment: The p.N973D variant (also known as c.2917A>G), located in coding exon 13 of the MECOM gene, results from an A to G substitution at nucleotide position 2917. The asparagine at codon 973 is replaced by aspartic acid, an amino acid with highly similar properties. This amino acid position is conserved. In addition, this alteration is predicted to be tolerated by in silico analysis. Based on the available evidence, the clinical significance of this variant remains unclear.